The following is an entry in ClinVar:

ClinVar aggregate classification (germline): Likely benign. Review status: criteria provided, single submitter (1 of 4 stars). 2 submissions from 2 submitters: Likely benign (1). 1 of the submissions does not count toward it. Last evaluated 2025-12-26.

Conditions:
IGSF10-related disorder. Also called: IGSF10-related condition.

Submissions (2):

Labcorp Genetics (formerly Invitae), Labcorp
Classification: Likely benign. Last evaluated: 2025-12-26. Review status: criteria provided, single submitter. Criteria: Invitae Variant Classification Sherloc (09022015). Collection method: clinical testing. Allele origin: germline.

PreventionGenetics, part of Exact Sciences
Classification: Likely benign for IGSF10-related condition. Last evaluated: 2022-03-01. Review status: no assertion criteria provided. Collection method: clinical testing. Allele origin: germline. Not counted in ClinVar's aggregate classification.
Comment: This variant is classified as likely benign based on ACMG/AMP sequence variant interpretation guidelines (Richards et al. 2015 PMID: 25741868, with internal and published modifications).

NM_178822.5(IGSF10):c.2210_2211del (p.Arg736_Phe737insTer)

Gene: IGSF10 (immunoglobulin superfamily member 10; minus strand). Cytogenetic location: 3q25.1.
Variant type: Deletion.
Coding change: c.2210_2211del on transcript NM_178822.5 (MANE Select); coding-DNA positions 2210 to 2211, 2 bases deleted (TT; older notation c.2210_2211delTT).
Protein change: p.Arg736_Phe737insTer.
Molecular consequence: nonsense.
Genome position (GRCh38, 1-based): chr3:151,447,770-151,447,771, AA deleted on the plus strand (TT on the coding strand, the reverse complement: IGSF10 is on the minus strand); deleting any 2 consecutive bases within chr3:151,447,770-151,447,773 gives the same sequence; the c. name uses the placement nearest the transcript's 3' end. VCF-style (leftmost placement, unchanged base first): chr3-151447769-TAA-T. GRCh37 (hg19) VCF-style: chr3-151165557-TAA-T.
Other names: c.2210_2211del, p.Arg736_Phe737insTer (NM_001385060.1, NM_001385061.1, NM_001385062.1 and 1 more transcripts); c.2210_2211delTT (NM_178822.4).
Identifiers: ClinVar variation 708167 (VCV000708167.10), dbSNP rs780500419, ClinGen allele CA2670385.